The following is an entry in ClinVar:

NM_145071.4(CISH):c.698G>A (p.Arg233His)

Gene: CISH (cytokine inducible SH2 containing protein; minus strand). Cytogenetic location: 3p21.2.
Variant type: single nucleotide variant.
Coding change: c.698G>A on transcript NM_145071.4 (MANE Select); coding-DNA position 698, G replaced by A.
Protein change: p.Arg233His; replaces arginine 233 with histidine.
Molecular consequence: missense variant.
Genome position (GRCh38, 1-based): chr3:50,607,686, C>T on the plus strand (G>A on the coding strand, the complement: CISH is on the minus strand). VCF-style: chr3-50607686-C-T. GRCh37 (hg19) VCF-style: chr3-50645117-C-T.
Other names: c.749G>A, p.Arg250His (NM_013324.7); short protein forms R233H, R250H.
Identifiers: ClinVar variation 1048842 (VCV001048842.1), dbSNP rs544358335, ClinGen allele CA2419929.
Genomic context (GRCh38, chr3:50,607,686, plus strand): 5'-TGTCGGAGGTAGTCGGCCATGCGCCGGGGCAGTGGCAGGCAGTCCACGTCGGCCACCAGA[C>T]GGTTGATGACAAGGCGGCACAGGTGTTGCAGGCTGCGGGCACTGCTTCTGCGTACAAAGG-3'
Protein context (NP_659508.1, residues 223-243): LQHLCRLVIN[Arg233His]LVADVDCLPL

ClinVar aggregate classification (germline): Uncertain significance (0 of 4 stars; one submission).

Allele frequency attached by ClinVar (database versions not stated): ExAC 0.00005; gnomAD exomes 0.00006; TOPMed 0.00007; gnomAD 0.00009.

Submission:

Department of Pathology and Laboratory Medicine, Sinai Health System
Classification: Uncertain significance. Review status: no assertion criteria provided. Collection method: clinical testing. Allele origin: unknown. Affected: yes. Study: The Canadian Open Genetics Repository (COGR).
Comment: The CISH p.Arg250His variant was not identified in the literature nor was it identified in ClinVar or COSMIC. The variant was identified in dbSNP (ID: rs544358335) and was also found in control databases in 17 of 282136 chromosomes at a frequency of 0.00006 (Genome Aggregation Database Feb 27, 2017). The variant was observed in the following populations: Other in 1 of 7214 chromosomes (freq: 0.000139), South Asian in 4 of 30616 chromosomes (freq: 0.000131), European (non-Finnish) in 11 of 128556 chromosomes (freq: 0.000086) and East Asian in 1 of 19944 chromosomes (freq: 0.00005), while the variant was not observed in the African, Latino, Ashkenazi Jewish or European (Finnish) populations. The variant occurs outside of the splicing consensus sequence and in silico or computational prediction software programs (SpliceSiteFinder, MaxEntScan, NNSPLICE, GeneSplicer) do not predict a difference in splicing. The p.Arg250 residue is not conserved in mammals or distantly related organisms, and computational analyses (PolyPhen-2, SIFT, AlignGVGD, BLOSUM, MutationTaster) provide inconsistent predictions regarding the impact to the protein; this information is not very predictive of pathogenicity. In summary, based on the above information the clinical significance of this variant cannot be determined with certainty at this time. This variant is classified as a variant of uncertain significance.